The following is an entry in ClinVar:

NM_004370.6(COL12A1):c.1077T>A (p.Ser359Arg)

Gene: COL12A1 (collagen type XII alpha 1 chain; minus strand). Cytogenetic location: 6q13.
Variant type: single nucleotide variant.
Coding change: c.1077T>A on transcript NM_004370.6 (MANE Select); coding-DNA position 1077, T replaced by A.
Protein change: p.Ser359Arg; replaces serine 359 with arginine.
Molecular consequence: missense variant. On other transcripts: intron variant (1).
Genome position (GRCh38, 1-based): chr6:75,184,065, A>T on the plus strand (T>A on the coding strand, the complement: COL12A1 is on the minus strand). VCF-style: chr6-75184065-A-T. GRCh37 (hg19) VCF-style: chr6-75893781-A-T.
Other names: c.73+18655T>A (NM_080645.3); short protein forms S359R.
Identifiers: ClinVar variation 1719641 (VCV001719641.6), dbSNP rs2533573342, ClinGen allele CA364773782.
Genomic context (GRCh38, chr6:75,184,065, plus strand): 5'-AGCGTGCTGTCGGCTTCCTGCAGTCATTGGTGTGAGGATGACTTTGTAGCCAGTCACTGG[A>T]CTAGGAGATGGATTCCAATTTAGCTTAACATATTTTGAAGAGACTTCCATGGCAATCAAA-3'
Protein context (NP_004361.3, residues 349-369): YVKLNWNPSP[Ser359Arg]PVTGYKVILT

ClinVar aggregate classification (germline): Uncertain significance (1 of 4 stars; one submission).

Conditions:
Ullrich congenital muscular dystrophy 2 (UCMD2). Identifiers: Orphanet 75840, MedGen C4225314, MONDO:0014654, OMIM 616470.
Bethlem myopathy 2 (BTHLM2). Identifiers: Orphanet 536516, Orphanet 610, MedGen C4225313, MONDO:0034022, OMIM 616471.

Submission:

Labcorp Genetics (formerly Invitae), Labcorp
Classification: Uncertain significance for Bethlem myopathy 2; Ullrich congenital muscular dystrophy 2. Last evaluated: 2022-09-18. Review status: criteria provided, single submitter. Criteria: Invitae Variant Classification Sherloc (09022015). Collection method: clinical testing. Allele origin: germline.
Comment: This sequence change replaces serine, which is neutral and polar, with arginine, which is basic and polar, at codon 359 of the COL12A1 protein (p.Ser359Arg). This variant is not present in population databases (gnomAD no frequency). This variant has not been reported in the literature in individuals affected with COL12A1-related conditions. Advanced modeling of protein sequence and biophysical properties (such as structural, functional, and spatial information, amino acid conservation, physicochemical variation, residue mobility, and thermodynamic stability) performed at Invitae indicates that this missense variant is not expected to disrupt COL12A1 protein function. In summary, the available evidence is currently insufficient to determine the role of this variant in disease. Therefore, it has been classified as a Variant of Uncertain Significance.